The following is an entry in ClinVar:

ClinVar aggregate classification (germline): Conflicting classifications of pathogenicity. Review status: criteria provided, conflicting classifications (1 of 4 stars). 5 submissions from 5 submitters: Pathogenic (1); Likely pathogenic (2); Uncertain significance (1). 1 of the submissions does not count toward it. Last evaluated 2024-02-20.

Conditions:
Retinal dystrophy. Also called: Inherited retinal dystrophy. Identifiers: Orphanet 71862, MedGen C0854723, MeSH D058499, MONDO:0019118, HP:0000556.
Retinitis pigmentosa 12 (RP12). Also called: RP WITH OR WITHOUT PPRPE; RP WITH OR WITHOUT PRESERVED PARAARTERIOLE RETINAL PIGMENT EPITHELIUM; RETINITIS PIGMENTOSA WITH OR WITHOUT PARAARTERIOLAR PRESERVATION OF RETINAL PIGMENT EPITHELIUM. Identifiers: Orphanet 791, MedGen C1838647, MONDO:0010818, OMIM 600105.
Leber congenital amaurosis 8 (LCA8). Identifiers: Orphanet 65, MedGen C3151202, MONDO:0013453, OMIM 613835.
Pigmented paravenous retinochoroidal atrophy. Identifiers: Orphanet 251295, MedGen C1868310, MONDO:0008246, OMIM 172870.

Allele frequency attached by ClinVar (database versions not stated): gnomAD exomes below 0.00001; TOPMed below 0.00001; gnomAD 0.00001.

Submissions (5):

Fulgent Genetics
Classification: Likely pathogenic for Pigmented paravenous retinochoroidal atrophy; Retinitis pigmentosa 12; Leber congenital amaurosis 8. Last evaluated: 2024-02-20. Review status: criteria provided, single submitter. Criteria: ACMG Guidelines, 2015. Collection method: clinical testing. Allele origin: germline.

Labcorp Genetics (formerly Invitae), Labcorp
Classification: Pathogenic for Leber congenital amaurosis 8; Retinitis pigmentosa 12. Last evaluated: 2023-10-03. Review status: criteria provided, single submitter. Criteria: Invitae Variant Classification Sherloc (09022015). Collection method: clinical testing. Allele origin: germline.
Comment: This sequence change replaces serine, which is neutral and polar, with phenylalanine, which is neutral and non-polar, at codon 1006 of the CRB1 protein (p.Ser1006Phe). This variant is not present in population databases (gnomAD no frequency). This missense change has been observed in individuals with inherited retinal dystrophy (PMID: 27208204; Invitae). ClinVar contains an entry for this variant (Variation ID: 236473). Advanced modeling of protein sequence and biophysical properties (such as structural, functional, and spatial information, amino acid conservation, physicochemical variation, residue mobility, and thermodynamic stability) has been performed at Invitae for this missense variant, however the output from this modeling did not meet the statistical confidence thresholds required to predict the impact of this variant on CRB1 protein function. This variant disrupts the p.Ser1006 amino acid residue in CRB1. Other variant(s) that disrupt this residue have been determined to be pathogenic (PMID: 24535598, 33342761). This suggests that this residue is clinically significant, and that variants that disrupt this residue are likely to be disease-causing. For these reasons, this variant has been classified as Pathogenic.

Blueprint Genetics
Classification: Uncertain significance. Last evaluated: 2022-09-20. Review status: criteria provided, single submitter. Criteria: ACMG Guidelines, 2015. Collection method: clinical testing. Allele origin: germline.

Institute of Human Genetics, Univ. Regensburg, Univ. Regensburg
Classification: Likely pathogenic for Retinal dystrophy. Last evaluated: 2019-01-01. Review status: criteria provided, single submitter. Criteria: ACMG Guidelines, 2015. Collection method: clinical testing. Allele origin: germline. Affected: yes.

Centre for Genomic Medicine, Manchester, Central Manchester University Hospitals
Classification: Uncertain significance for Retinal dystrophy. Review status: no assertion criteria provided. Collection method: clinical testing. Allele origin: germline. Affected: yes. Not counted in ClinVar's aggregate classification.

Literature cited by the submitters: PubMed 27208204 (cited by Labcorp Genetics (formerly Invitae), Labcorp and Institute of Human Genetics, Univ. Regensburg, Univ. Regensburg); PubMed 24535598 (cited by Labcorp Genetics (formerly Invitae), Labcorp); PubMed 33342761 (cited by Labcorp Genetics (formerly Invitae), Labcorp).

NM_201253.3(CRB1):c.3017C>T (p.Ser1006Phe)

Gene: CRB1 (crumbs cell polarity complex component 1; plus strand). Cytogenetic location: 1q31.3.
Variant type: single nucleotide variant.
Coding change: c.3017C>T on transcript NM_201253.3 (MANE Select); coding-DNA position 3017, C replaced by T.
Protein change: p.Ser1006Phe; replaces serine 1006 with phenylalanine.
Molecular consequence: missense variant. On other transcripts: non-coding transcript variant (2), intron variant (1).
Genome position (GRCh38, 1-based): chr1:197,434,880, C>T. VCF-style: chr1-197434880-C-T. GRCh37 (hg19) VCF-style: chr1-197404010-C-T.
Other names: c.2681C>T, p.Ser894Phe (NM_001193640.2); c.2945C>T, p.Ser982Phe (NM_001257965.2); c.2129-720C>T (NM_001257966.2); short protein forms S1006F, S894F, S982F.
Identifiers: ClinVar variation 236473 (VCV000236473.9), dbSNP rs878853367, ClinGen allele CA10581632.